The following is an entry in ClinVar:

ClinVar aggregate classification (germline): Uncertain significance (1 of 4 stars; one submission).

gnomAD v4.1: 4 of 1,613,810 alleles (0.00025%); highest among the groups gnomAD compares: Middle Eastern, 0.016%; no homozygotes.

Submission:

Labcorp Genetics (formerly Invitae), Labcorp
Classification: Uncertain significance. Last evaluated: 2022-10-25. Review status: criteria provided, single submitter. Criteria: Invitae Variant Classification Sherloc (09022015). Collection method: clinical testing. Allele origin: germline.
Comment: This sequence change replaces asparagine, which is neutral and polar, with histidine, which is basic and polar, at codon 357 of the USH2A protein (p.Asn357His). This variant is present in population databases (rs144560419, gnomAD 0.0009%). This variant has not been reported in the literature in individuals affected with USH2A-related conditions. Advanced modeling of protein sequence and biophysical properties (such as structural, functional, and spatial information, amino acid conservation, physicochemical variation, residue mobility, and thermodynamic stability) performed at Invitae indicates that this missense variant is not expected to disrupt USH2A protein function. In summary, the available evidence is currently insufficient to determine the role of this variant in disease. Therefore, it has been classified as a Variant of Uncertain Significance.

NM_206933.4(USH2A):c.1069A>C (p.Asn357His)

Gene: USH2A (usherin; minus strand). Cytogenetic location: 1q41.
Variant type: single nucleotide variant.
Coding change: c.1069A>C on transcript NM_206933.4 (MANE Select); coding-DNA position 1069, A replaced by C.
Protein change: p.Asn357His; replaces asparagine 357 with histidine.
Molecular consequence: missense variant.
Genome position (GRCh38, 1-based): chr1:216,325,379, T>G on the plus strand (A>C on the coding strand, the complement: USH2A is on the minus strand). VCF-style: chr1-216325379-T-G. GRCh37 (hg19) VCF-style: chr1-216498721-T-G.
Other names: c.1069A>C, p.Asn357His (NM_007123.6); short protein forms N357H.
Identifiers: ClinVar variation 2180431 (VCV002180431.1), dbSNP rs144560419, ClinGen allele CA1396608.